The following is an entry in ClinVar:

NM_024318.5(LILRA6):c.726C>T (p.Thr242=)

Gene: LILRA6 (leukocyte immunoglobulin like receptor A6; minus strand). Cytogenetic location: 19q13.42.
Variant type: single nucleotide variant.
Coding change: c.726C>T on transcript NM_024318.5 (MANE Select); coding-DNA position 726, C replaced by T.
Protein change: p.Thr242=; no amino-acid change (threonine 242 retained).
Molecular consequence: synonymous variant. On other transcripts: non-coding transcript variant (1).
Genome position (GRCh38, 1-based): chr19:54,241,060, G>A on the plus strand (C>T on the coding strand, the complement: LILRA6 is on the minus strand). VCF-style: chr19-54241060-G-A. GRCh37 (hg19) VCF-style: chr19-54744936-G-A.
Identifiers: ClinVar variation 3024977 (VCV003024977.22), dbSNP rs750692301, ClinGen allele CA309417056.

ClinVar aggregate classification (germline): Likely benign (1 of 4 stars; one submission).

Allele frequency attached by ClinVar (database versions not stated): gnomAD 0.00001.

Submission:

CeGaT Center for Human Genetics Tuebingen
Classification: Likely benign. Last evaluated: 2024-01-01. Review status: criteria provided, single submitter. Criteria: CeGaT Center For Human Genetics Tuebingen Variant Classification Criteria Version 2. Collection method: clinical testing. Allele origin: germline. Affected: yes. Observed: 1 variant allele.
Comment: LILRA6: BP4, BP7